The following is an entry in ClinVar:

ClinVar aggregate classification (germline): Likely benign. Review status: criteria provided, multiple submitters, no conflicts (2 of 4 stars). 2 submissions from 2 submitters: Likely benign (2). Last evaluated 2026-04-17.

Conditions:
UNC45A-related disorder. Also called: UNC45A-related condition.

Allele frequency attached by ClinVar (database versions not stated): TOPMed 0.00003.
gnomAD v4.1: 18 of 1,612,226 alleles (0.0011%); highest among the groups gnomAD compares: African/African-American, 0.0093%; no homozygotes.

Submissions (2):

PreventionGenetics, part of Exact Sciences
Classification: Likely benign for UNC45A-related condition. Last evaluated: 2026-04-17. Review status: criteria provided, single submitter. Criteria: ACMG Guidelines, 2015. Collection method: clinical testing. Allele origin: germline.
Comment: This variant is classified as likely benign based on ACMG/AMP sequence variant interpretation guidelines (Richards et al. 2015 PMID: 25741868, with internal and published modifications).

Labcorp Genetics (formerly Invitae), Labcorp
Classification: Likely benign. Last evaluated: 2026-01-28. Review status: criteria provided, single submitter. Criteria: Invitae Variant Classification Sherloc (09022015). Collection method: clinical testing. Allele origin: germline.

NM_018671.5(UNC45A):c.1050G>T (p.Val350=)

Gene: UNC45A (unc-45 myosin chaperone A; plus strand). Cytogenetic location: 15q26.1.
Variant type: single nucleotide variant.
Coding change: c.1050G>T on transcript NM_018671.5 (MANE Select); coding-DNA position 1050, G replaced by T.
Protein change: p.Val350=; no amino-acid change (valine 350 retained).
Molecular consequence: synonymous variant.
Genome position (GRCh38, 1-based): chr15:90,944,914, G>T. VCF-style: chr15-90944914-G-T. GRCh37 (hg19) VCF-style: chr15-91488144-G-T.
Other names: c.1005G>T, p.Val335= (NM_001039675.2, NM_001323621.2); c.1050G>T, p.Val350= (NM_001323619.1); c.615G>T, p.Val205= (NM_001323620.2).
Identifiers: ClinVar variation 1604520 (VCV001604520.9), dbSNP rs771175867, ClinGen allele CA7742768.
Genomic context (GRCh38, chr15:90,944,914, plus strand): 5'-AACTAGTGTTCTACTGTCTAAGCGGGGTGTCTTTACAGGTCTGAAAAAGATTTTGGAAGT[G>T]GGGGGCTCTCTACAGGACCCTCCTGGGGAGCTCGCAGTGACCGCAAACAGCCGCATGAGC-3'
Protein context (NP_061141.2, residues 340-360): IDQGLKKILE[Val350=]GGSLQDPPGE